The following is an entry in ClinVar:

NM_002617.4(PEX10):c.601-13A>G

Gene: PEX10 (peroxisomal biogenesis factor 10; minus strand). Cytogenetic location: 1p36.32.
Variant type: single nucleotide variant.
Coding change: c.601-13A>G on transcript NM_002617.4 (MANE Select); 13 bases into the intron before coding-DNA position 601, A replaced by G.
Molecular consequence: intron variant. On other transcripts: synonymous variant (3).
Genome position (GRCh38, 1-based): chr1:2,406,908, T>C on the plus strand (A>G on the coding strand, the complement: PEX10 is on the minus strand). VCF-style: chr1-2406908-T-C. GRCh37 (hg19) VCF-style: chr1-2338347-T-C.
Other names: c.645A>G, p.Pro215= (NM_001374425.1); c.213A>G, p.Pro71= (NM_001374426.1); c.648A>G, p.Pro216= (NM_153818.2); c.169-13A>G (NM_001374427.1); c.648A>G (NM_153818.1).
Identifiers: ClinVar variation 1128248 (VCV001128248.8), dbSNP rs1443291426, ClinGen allele CA415775956.

ClinVar aggregate classification (germline): Likely benign. Review status: criteria provided, multiple submitters, no conflicts (2 of 4 stars). 2 submissions from 2 submitters: Likely benign (2). Last evaluated 2026-02-02.

Conditions:
Peroxisome biogenesis disorder, complementation group 7 (CG7). Also called: Peroxisome biogenesis disorder, complementation group B. Identifiers: MedGen C1864399.
PEX10-related disorder. Also called: PEX10-related condition.

Allele frequency attached by ClinVar (database versions not stated): gnomAD 0.00001; gnomAD exomes 0.00001; TOPMed 0.00001.

Submissions (2):

PreventionGenetics, part of Exact Sciences
Classification: Likely benign for PEX10-related condition. Last evaluated: 2026-02-02. Review status: criteria provided, single submitter. Criteria: ACMG Guidelines, 2015. Collection method: clinical testing. Allele origin: germline.
Comment: This variant is classified as likely benign based on ACMG/AMP sequence variant interpretation guidelines (Richards et al. 2015 PMID: 25741868, with internal and published modifications).

Labcorp Genetics (formerly Invitae), Labcorp
Classification: Likely benign for Peroxisome biogenesis disorder, complementation group 7. Last evaluated: 2026-01-12. Review status: criteria provided, single submitter. Criteria: Invitae Variant Classification Sherloc (09022015). Collection method: clinical testing. Allele origin: germline.